The following is an entry in ClinVar:

ClinVar aggregate classification (germline): Uncertain significance. Review status: criteria provided, multiple submitters, no conflicts (2 of 4 stars). 3 submissions from 3 submitters: Uncertain significance (3). Last evaluated 2025-12-09.

Conditions:
Hereditary cancer-predisposing syndrome. Also called: Neoplastic Syndromes, Hereditary; Hereditary Cancer Syndrome; Tumor predisposition; Hereditary neoplastic syndrome. Identifiers: Orphanet 140162, MedGen C0027672, MeSH D009386, MONDO:0015356.
DICER1-related tumor predisposition. Also called: DICER1-related pleuropulmonary blastoma cancer predisposition syndrome; DICER1 syndrome. Identifiers: Orphanet 284343, MedGen C3839822, MONDO:0100216.

Allele frequency attached by ClinVar (database versions not stated): TOPMed 0.00001.

Submissions (3):

Labcorp Genetics (formerly Invitae), Labcorp
Classification: Uncertain significance for DICER1-related tumor predisposition. Last evaluated: 2025-12-09. Review status: criteria provided, single submitter. Criteria: Invitae Variant Classification Sherloc (09022015). Collection method: clinical testing. Allele origin: germline.
Comment: This sequence change replaces valine, which is neutral and non-polar, with methionine, which is neutral and non-polar, at codon 615 of the DICER1 protein (p.Val615Met). This variant is not present in population databases (gnomAD no frequency). This variant has not been reported in the literature in individuals affected with DICER1-related conditions. ClinVar contains an entry for this variant (Variation ID: 1461937). Invitae Evidence Modeling of protein sequence and biophysical properties (such as structural, functional, and spatial information, amino acid conservation, physicochemical variation, residue mobility, and thermodynamic stability) indicates that this missense variant is not expected to disrupt DICER1 protein function with a negative predictive value of 95%. In summary, the available evidence is currently insufficient to determine the role of this variant in disease. Therefore, it has been classified as a Variant of Uncertain Significance.

Ambry Genetics
Classification: Uncertain significance for Hereditary cancer-predisposing syndrome. Last evaluated: 2023-12-23. Review status: criteria provided, single submitter. Criteria: Ambry Variant Classification Scheme 2023. Collection method: clinical testing. Allele origin: germline.
Comment: The p.V615M variant (also known as c.1843G>A), located in coding exon 10 of the DICER1 gene, results from a G to A substitution at nucleotide position 1843. The valine at codon 615 is replaced by methionine, an amino acid with highly similar properties. This amino acid position is conserved. In addition, this alteration is predicted to be tolerated by in silico analysis. Since supporting evidence is limited at this time, the clinical significance of this alteration remains unclear.

Quest Diagnostics Nichols Institute San Juan Capistrano
Classification: Uncertain significance. Last evaluated: 2022-12-09. Review status: criteria provided, single submitter. Criteria: Quest Diagnostics criteria. Collection method: clinical testing. Allele origin: unknown.
Comment: The variant has not been reported in individuals with DICER1-related conditions in the published literature. It also has not been reported in large, multi-ethnic general populations. Analysis of this variant using bioinformatics tools for the prediction of the effect of amino acid changes on protein structure and function yielded conflicting predictions that this variant is deleterious or benign. Based on the available information, we are unable to determine the clinical significance of this variant.

NM_177438.3(DICER1):c.1843G>A (p.Val615Met)

Gene: DICER1 (dicer 1, ribonuclease III; minus strand). Cytogenetic location: 14q32.13.
Variant type: single nucleotide variant.
Coding change: c.1843G>A on transcript NM_177438.3 (MANE Select); coding-DNA position 1843, G replaced by A.
Protein change: p.Val615Met; replaces valine 615 with methionine.
Molecular consequence: missense variant.
Genome position (GRCh38, 1-based): chr14:95,115,731, C>T on the plus strand (G>A on the coding strand, the complement: DICER1 is on the minus strand). VCF-style: chr14-95115731-C-T. GRCh37 (hg19) VCF-style: chr14-95582068-C-T.
Other names: c.1843G>A (NM_177438.2); c.1843G>A, p.Val615Met (NM_001195573.1, NM_001271282.3, NM_001291628.2 and 1 more transcripts); short protein forms V615M.
Identifiers: ClinVar variation 1461937 (VCV001461937.11), dbSNP rs1315795741, ClinGen allele CA390884010.
Genomic context (GRCh38, chr14:95,115,731, plus strand): 5'-TGATGTGTCCAATGGCCGTGTTGATTGTGACTCGTGGACCACCATCGTCAGGCCTCAACA[C>T]ATATGGTGGGAAAACGTCATCATCATCCATGACAGGATCAATGTCAGTCTCACCAGTATC-3'
Protein context (NP_803187.1, residues 605-625): MDDDDVFPPY[Val615Met]LRPDDGGPRV